The following is an entry in ClinVar:

NM_000939.4(POMC):c.226A>C (p.Lys76Gln)

Gene: POMC (proopiomelanocortin; minus strand). Cytogenetic location: 2p23.3.
Variant type: single nucleotide variant.
Coding change: c.226A>C on transcript NM_000939.4 (MANE Select); coding-DNA position 226, A replaced by C.
Protein change: p.Lys76Gln; replaces lysine 76 with glutamine.
Molecular consequence: missense variant.
Genome position (GRCh38, 1-based): chr2:25,161,659, T>G on the plus strand (A>C on the coding strand, the complement: POMC is on the minus strand). VCF-style: chr2-25161659-T-G. GRCh37 (hg19) VCF-style: chr2-25384528-T-G.
Other names: c.226A>C, p.Lys76Gln (NM_001035256.3, NM_001319204.2, NM_001319205.2); short protein forms K76Q.
Identifiers: ClinVar variation 3355527 (VCV003355527.2).

ClinVar aggregate classification (germline): Uncertain significance (1 of 4 stars; one submission).

Conditions:
POMC-related disorder. Also called: POMC-related disorders; POMC-related condition.

gnomAD v4.1: 12 of 1,559,280 alleles (0.00077%); highest among the groups gnomAD compares: African/African-American, 0.0068%; 2 homozygotes.

Submission:

PreventionGenetics, part of Exact Sciences
Classification: Uncertain significance for POMC-related condition. Last evaluated: 2025-11-19. Review status: criteria provided, single submitter. Criteria: ACMG Guidelines, 2015. Collection method: clinical testing. Allele origin: germline.
Comment: The POMC c.226A>C variant is predicted to result in the amino acid substitution p.Lys76Gln. This variant was observed in a child with obesity (Mohammed et al. 2023. PubMed ID: 37329217), as well as in a cohort of individuals with obesity, in which in vitro functional studies showed function similar to wild-type levels (Supplemental Data Set, Shah et al. 2023. PubMed ID: 36864747). This variant has not been reported in a large population database, indicating it is rare. At this time, the clinical significance of this variant is uncertain due to the absence of conclusive functional and genetic evidence.